The following is an entry in ClinVar:

ClinVar aggregate classification (germline): Uncertain significance. Review status: criteria provided, multiple submitters, no conflicts (2 of 4 stars). 2 submissions from 2 submitters: Uncertain significance (2). Last evaluated 2025-07-15.

Conditions:
Inborn genetic diseases. Identifiers: MedGen C0950123, MeSH D030342.

Allele frequency attached by ClinVar (database versions not stated): gnomAD exomes 0.00002; ExAC 0.00004; gnomAD 0.00001.
gnomAD v4.1: 37 of 1,614,100 alleles (0.0023%); highest among the groups gnomAD compares: South Asian, 0.034%; no homozygotes.

Submissions (2):

Ambry Genetics
Classification: Uncertain significance for Inborn genetic diseases. Last evaluated: 2025-07-15. Review status: criteria provided, single submitter. Criteria: Ambry Variant Classification Scheme 2023. Collection method: clinical testing. Allele origin: germline.

Labcorp Genetics (formerly Invitae), Labcorp
Classification: Uncertain significance. Last evaluated: 2025-03-30. Review status: criteria provided, single submitter. Criteria: Invitae Variant Classification Sherloc (09022015). Collection method: clinical testing. Allele origin: germline.
Comment: This sequence change replaces serine, which is neutral and polar, with leucine, which is neutral and non-polar, at codon 97 of the CACNA1D protein (p.Ser97Leu). This variant is present in population databases (rs769128755, gnomAD 0.03%). This variant has not been reported in the literature in individuals affected with CACNA1D-related conditions. ClinVar contains an entry for this variant (Variation ID: 2987096). An algorithm developed to predict the effect of missense changes on protein structure and function (PolyPhen-2) suggests that this variant is likely to be tolerated. In summary, the available evidence is currently insufficient to determine the role of this variant in disease. Therefore, it has been classified as a Variant of Uncertain Significance.

NM_001128840.3(CACNA1D):c.290C>T (p.Ser97Leu)

Gene: CACNA1D (calcium voltage-gated channel subunit alpha1 D; plus strand). Cytogenetic location: 3p21.1.
Variant type: single nucleotide variant.
Coding change: c.290C>T on transcript NM_001128840.3 (MANE Select); coding-DNA position 290, C replaced by T.
Protein change: p.Ser97Leu; replaces serine 97 with leucine.
Molecular consequence: missense variant.
Genome position (GRCh38, 1-based): chr3:53,497,374, C>T. VCF-style: chr3-53497374-C-T. GRCh37 (hg19) VCF-style: chr3-53531401-C-T.
Other names: c.290C>T, p.Ser97Leu (NM_000720.4, NM_001128839.3); c.290C>T (NM_000720.2); short protein forms S97L.
Identifiers: ClinVar variation 2987096 (VCV002987096.4), dbSNP rs769128755, ClinGen allele CA2453652.